The following is an entry in ClinVar:

ClinVar aggregate classification (germline): Uncertain significance (1 of 4 stars; one submission).

Conditions:
Cardiovascular phenotype. Identifiers: MedGen CN230736.

gnomAD v4.1: 3 of 1,611,036 alleles (0.00019%); highest among the groups gnomAD compares: Admixed American, 0.005%; no homozygotes.

Submission:

Ambry Genetics
Classification: Uncertain significance for Cardiovascular phenotype. Last evaluated: 2025-08-28. Review status: criteria provided, single submitter. Criteria: Ambry Variant Classification Scheme 2023. Collection method: clinical testing. Allele origin: germline.
Comment: The p.R16G variant (also known as c.46C>G), located in coding exon 1 of the PRDM5 gene, results from a C to G substitution at nucleotide position 46. The arginine at codon 16 is replaced by glycine, an amino acid with dissimilar properties. This amino acid position is conserved. In addition, this alteration is predicted to be tolerated by in silico analysis. Based on the available evidence, the clinical significance of this variant remains unclear.

NM_018699.4(PRDM5):c.46C>G (p.Arg16Gly)

Gene: PRDM5 (PR/SET domain 5; minus strand). Cytogenetic location: 4q27.
Variant type: single nucleotide variant.
Coding change: c.46C>G on transcript NM_018699.4 (MANE Select); coding-DNA position 46, C replaced by G.
Protein change: p.Arg16Gly; replaces arginine 16 with glycine.
Molecular consequence: missense variant.
Genome position (GRCh38, 1-based): chr4:120,922,563, G>C on the plus strand (C>G on the coding strand, the complement: PRDM5 is on the minus strand). VCF-style: chr4-120922563-G-C. GRCh37 (hg19) VCF-style: chr4-121843718-G-C.
Other names: c.46C>G, p.Arg16Gly (NM_001300823.2, NM_001300824.2, NM_001379104.1 and 1 more transcripts); short protein forms R16G.
Identifiers: ClinVar variation 4143967 (VCV004143967.1).